The following is an entry in ClinVar:

NM_014324.6(AMACR):c.323G>C (p.Ser108Thr)

Genes: AMACR (alpha-methylacyl-CoA racemase; minus strand), C1QTNF3-AMACR (C1QTNF3-AMACR readthrough (NMD candidate); minus strand). Cytogenetic location: 5p13.2.
Variant type: single nucleotide variant.
Coding change: c.323G>C on transcript NM_014324.6 (MANE Select); coding-DNA position 323, G replaced by C.
Protein change: p.Ser108Thr; replaces serine 108 with threonine.
Molecular consequence: missense variant. On other transcripts: non-coding transcript variant (1).
Genome position (GRCh38, 1-based): chr5:34,005,824, C>G on the plus strand (G>C on the coding strand, the complement: AMACR is on the minus strand). VCF-style: chr5-34005824-C-G. GRCh37 (hg19) VCF-style: chr5-34005929-C-G.
Other names: c.323G>C, p.Ser108Thr (NM_001167595.2, NM_203382.3); c.323G>C (NM_014324.5); short protein forms S108T.
Identifiers: ClinVar variation 1936017 (VCV001936017.4), dbSNP rs565596555, ClinGen allele CA116870936.
Genomic context (GRCh38, chr5:34,005,824, plus strand): 5'-GCCAAATAGTTGATATCGTGGCCAGCTAACCGGCAGAAGCTTCCTGACTGGCCAAATCCA[C>G]TCAGCCTGGCATAAATAAGCCTTGGATTTTCCCGCTGCAGAATCTCTGGGCCCAGCTGGA-3'
Protein context (NP_055139.4, residues 98-118): ENPRLIYARL[Ser108Thr]GFGQSGSFCR

ClinVar aggregate classification (germline): Uncertain significance. Review status: criteria provided, multiple submitters, no conflicts (2 of 4 stars). 2 submissions from 2 submitters: Uncertain significance (2). Last evaluated 2025-05-02.

Conditions:
AMACR-related disorder. Also called: AMACR-related condition; AMACR-Related Disorders.
Alpha-methylacyl-CoA racemase deficiency (AMACRD). Also called: AMACR deficiency. Identifiers: Orphanet 79095, MedGen C3280428, MONDO:0013681, OMIM 614307. Disease mechanism: loss of function.

Allele frequency attached by ClinVar (database versions not stated): gnomAD 0.00001; gnomAD exomes 0.00001; TOPMed 0.00002.
gnomAD v4.1: 11 of 1,614,036 alleles (0.00068%); highest among the groups gnomAD compares: African/African-American, 0.0013%; no homozygotes.

Submissions (2):

PreventionGenetics, part of Exact Sciences
Classification: Uncertain significance for AMACR-related condition. Last evaluated: 2025-05-02. Review status: criteria provided, single submitter. Criteria: ACMG Guidelines, 2015. Collection method: clinical testing. Allele origin: germline.
Comment: The AMACR c.323G>C variant is predicted to result in the amino acid substitution p.Ser108Thr. To our knowledge, this variant has not been reported in the literature. This variant is reported in 0.00088% of alleles in individuals of European (Non-Finnish) descent in gnomAD. At this time, the clinical significance of this variant is uncertain due to the absence of conclusive functional and genetic evidence.

Labcorp Genetics (formerly Invitae), Labcorp
Classification: Uncertain significance for Alpha-methylacyl-CoA racemase deficiency. Last evaluated: 2022-05-17. Review status: criteria provided, single submitter. Criteria: Invitae Variant Classification Sherloc (09022015). Collection method: clinical testing. Allele origin: germline.
Comment: This sequence change replaces serine, which is neutral and polar, with threonine, which is neutral and polar, at codon 108 of the AMACR protein (p.Ser108Thr). This variant is present in population databases (rs565596555, gnomAD 0.0009%). This variant has not been reported in the literature in individuals affected with AMACR-related conditions. Algorithms developed to predict the effect of missense changes on protein structure and function output the following: SIFT: "Tolerated"; PolyPhen-2: "Benign"; Align-GVGD: "Class C0". The threonine amino acid residue is found in multiple mammalian species, which suggests that this missense change does not adversely affect protein function. In summary, the available evidence is currently insufficient to determine the role of this variant in disease. Therefore, it has been classified as a Variant of Uncertain Significance.